The following is an entry in ClinVar:

ClinVar aggregate classification (germline): Uncertain significance (1 of 4 stars; one submission).

gnomAD v4.1: 7 of 1,613,782 alleles (0.00043%); highest among the groups gnomAD compares: Non-Finnish European, 0.00059%; no homozygotes.

Submission:

Labcorp Genetics (formerly Invitae), Labcorp
Classification: Uncertain significance. Last evaluated: 2024-03-16. Review status: criteria provided, single submitter. Criteria: Invitae Variant Classification Sherloc (09022015). Collection method: clinical testing. Allele origin: germline.
Comment: This sequence change replaces proline, which is neutral and non-polar, with leucine, which is neutral and non-polar, at codon 324 of the ANLN protein (p.Pro324Leu). This variant is not present in population databases (gnomAD no frequency). This variant has not been reported in the literature in individuals affected with ANLN-related conditions. Advanced modeling of protein sequence and biophysical properties (such as structural, functional, and spatial information, amino acid conservation, physicochemical variation, residue mobility, and thermodynamic stability) performed at Invitae indicates that this missense variant is not expected to disrupt ANLN protein function with a negative predictive value of 80%. In summary, the available evidence is currently insufficient to determine the role of this variant in disease. Therefore, it has been classified as a Variant of Uncertain Significance.

NM_018685.5(ANLN):c.971C>T (p.Pro324Leu)

Gene: ANLN (anillin, actin binding protein; plus strand). Cytogenetic location: 7p14.2.
Variant type: single nucleotide variant.
Coding change: c.971C>T on transcript NM_018685.5 (MANE Select); coding-DNA position 971, C replaced by T.
Protein change: p.Pro324Leu; replaces proline 324 with leucine.
Molecular consequence: missense variant.
Genome position (GRCh38, 1-based): chr7:36,407,831, C>T. VCF-style: chr7-36407831-C-T. GRCh37 (hg19) VCF-style: chr7-36447440-C-T.
Other names: c.971C>T, p.Pro324Leu (NM_001284301.3, NM_001284302.3); short protein forms P324L.
Identifiers: ClinVar variation 3688790 (VCV003688790.2).